The following is an entry in ClinVar:

NM_001271.4(CHD2):c.842C>G (p.Thr281Ser)

Gene: CHD2 (chromodomain helicase DNA binding protein 2; plus strand). Cytogenetic location: 15q26.1.
Variant type: single nucleotide variant.
Coding change: c.842C>G on transcript NM_001271.4 (MANE Select); coding-DNA position 842, C replaced by G.
Protein change: p.Thr281Ser; replaces threonine 281 with serine.
Molecular consequence: missense variant.
Genome position (GRCh38, 1-based): chr15:92,942,858, C>G. VCF-style: chr15-92942858-C-G. GRCh37 (hg19) VCF-style: chr15-93486088-C-G.
Other names: c.842C>G, p.Thr281Ser (NM_001042572.3); short protein forms T281S.
Identifiers: ClinVar variation 3636664 (VCV003636664.2).

ClinVar aggregate classification (germline): Uncertain significance (1 of 4 stars; one submission).

Conditions:
Developmental and epileptic encephalopathy 94 (DEE94). Also called: Epileptic encephalopathy, childhood-onset; CHD2-Related Neurodevelopmental Disorders. Identifiers: Orphanet 1942, Orphanet 2382, MedGen C3809278, MONDO:0014150, OMIM 615369.

gnomAD v4.1: 1 of 1,612,284 alleles (0.000062%); highest among the groups gnomAD compares: Non-Finnish European, 0.000085%; no homozygotes.

Submission:

Labcorp Genetics (formerly Invitae), Labcorp
Classification: Uncertain significance for Developmental and epileptic encephalopathy 94. Last evaluated: 2024-11-28. Review status: criteria provided, single submitter. Criteria: Invitae Variant Classification Sherloc (09022015). Collection method: clinical testing. Allele origin: germline.
Comment: This sequence change replaces threonine, which is neutral and polar, with serine, which is neutral and polar, at codon 281 of the CHD2 protein (p.Thr281Ser). This variant is present in population databases (rs765024683, gnomAD 0.0009%). This variant has not been reported in the literature in individuals affected with CHD2-related conditions. Invitae Evidence Modeling of protein sequence and biophysical properties (such as structural, functional, and spatial information, amino acid conservation, physicochemical variation, residue mobility, and thermodynamic stability) indicates that this missense variant is not expected to disrupt CHD2 protein function with a negative predictive value of 95%. In summary, the available evidence is currently insufficient to determine the role of this variant in disease. Therefore, it has been classified as a Variant of Uncertain Significance.